The following is an entry in ClinVar:

ClinVar aggregate classification (germline): Benign. Review status: criteria provided, multiple submitters, no conflicts (2 of 4 stars). 5 submissions from 5 submitters: Benign (5). Last evaluated 2026-02-02.

Allele frequency attached by ClinVar (database versions not stated): 1000 Genomes Project 0.01777; 1000 Genomes Project 30x 0.01827; gnomAD 0.02867 and 0.02932; ESP Exome Variant Server 0.03000; TOPMed 0.03037; gnomAD exomes 0.03045 and 0.03863; ExAC 0.03295.
gnomAD v4.1: 60,596 of 1,612,896 alleles (3.8%); highest among the groups gnomAD compares: Non-Finnish European, 4.5%; 1,337 homozygotes.

Submissions (5):

Labcorp Genetics (formerly Invitae), Labcorp
Classification: Benign. Last evaluated: 2026-02-02. Review status: criteria provided, single submitter. Criteria: Invitae Variant Classification Sherloc (09022015). Collection method: clinical testing. Allele origin: germline.

Blueprint Genetics
Classification: Benign. Last evaluated: 2024-11-27. Review status: criteria provided, single submitter. Criteria: ACMG Guidelines, 2015. Collection method: clinical testing. Allele origin: germline.

Mayo Clinic Laboratories, Mayo Clinic
Classification: Benign. Last evaluated: 2023-12-19. Review status: criteria provided, single submitter. Criteria: ACMG Guidelines, 2015. Collection method: clinical testing. Allele origin: germline. Observed: 23 variant alleles.
Comment: BA1, BS2, BP1

GeneDx
Classification: Benign. Last evaluated: 2021-07-22. Review status: criteria provided, single submitter. Criteria: GeneDx Variant Classification Process June 2021. Collection method: clinical testing. Allele origin: germline. Affected: yes.
Comment: In silico analysis supports that this missense variant does not alter protein structure/function

Breakthrough Genomics
Classification: Benign. Review status: criteria provided, single submitter. Criteria: ACMG Guidelines, 2015. Collection method: not provided. Allele origin: germline. Inheritance: Autosomal dominant inheritance. Affected: yes.

NM_198334.3(GANAB):c.1780A>G (p.Met594Val)

Gene: GANAB (glucosidase II alpha subunit; minus strand). Cytogenetic location: 11q12.3.
Variant type: single nucleotide variant.
Coding change: c.1780A>G on transcript NM_198334.3 (MANE Select); coding-DNA position 1780, A replaced by G.
Protein change: p.Met594Val; replaces methionine 594 with valine.
Molecular consequence: missense variant.
Genome position (GRCh38, 1-based): chr11:62,629,642, T>C on the plus strand (A>G on the coding strand, the complement: GANAB is on the minus strand). VCF-style: chr11-62629642-T-C. GRCh37 (hg19) VCF-style: chr11-62397114-T-C.
Other names: p.Met616Val; c.1504A>G, p.Met502Val (NM_001278192.2); c.1438A>G, p.Met480Val (NM_001278193.2); c.1489A>G, p.Met497Val (NM_001278194.2, NM_001329222.2, NM_001329223.2); c.1057A>G, p.Met353Val (NM_001329224.2, NM_001329225.2); c.1846A>G, p.Met616Val (NM_198335.4); short protein forms M353V, M480V, M497V, M502V, M594V, M616V.
Identifiers: ClinVar variation 1179854 (VCV001179854.13), dbSNP rs76572368, ClinGen allele CA6050673.